The following is an entry in ClinVar:

ClinVar aggregate classification (germline): Uncertain significance (1 of 4 stars; one submission).

Conditions:
Early-infantile DEE. Also called: Early infantile epileptic encephalopathy; Ohtahara syndrome; Early infantile epileptic encephalopathy with suppression bursts. Identifiers: Orphanet 1934, MedGen C0393706, MONDO:0800491.

Allele frequency attached by ClinVar (database versions not stated): 1000 Genomes Project 30x 0.00016; 1000 Genomes Project 0.00020; gnomAD 0.00003.
gnomAD v4.1: 5 of 151,468 alleles (0.0033%); highest among the groups gnomAD compares: South Asian, 0.083%; no homozygotes.

Submission:

Labcorp Genetics (formerly Invitae), Labcorp
Classification: Uncertain significance for Early-infantile DEE. Last evaluated: 2024-05-15. Review status: criteria provided, single submitter. Criteria: Invitae Variant Classification Sherloc (09022015). Collection method: clinical testing. Allele origin: germline.
Comment: This sequence change falls in intron 20 of the SCN1A gene. It does not directly change the encoded amino acid sequence of the SCN1A protein. However, this sequence change falls within a region encompassing a cryptic exon in the SCN1A gene, in which variants have been shown to alter splicing (PMID: 30526861, 34107977). This variant is not present in population databases (gnomAD no frequency). This variant has not been reported in the literature in individuals affected with SCN1A-related conditions. Algorithms developed to predict the effect of sequence changes on RNA splicing suggest that this variant is not likely to affect RNA splicing. In summary, the available evidence is currently insufficient to determine the role of this variant in disease. Therefore, it has been classified as a Variant of Uncertain Significance.

Literature cited by the submitters: PubMed 30526861; PubMed 34107977.

NM_001165963.4(SCN1A):c.4002+2147T>G

Genes: SCN1A (sodium voltage-gated channel alpha subunit 1; minus strand), LOC102724058 (uncharacterized LOC102724058; plus strand). Cytogenetic location: 2q24.3.
Variant type: single nucleotide variant.
Coding change: c.4002+2147T>G on transcript NM_001165963.4 (MANE Select); 2147 bases into the intron after coding-DNA position 4002, T replaced by G.
Molecular consequence: intron variant.
Genome position (GRCh38, 1-based): chr2:166,007,572, A>C on the plus strand (T>G on the coding strand, the complement: SCN1A is on the minus strand). VCF-style: chr2-166007572-A-C. GRCh37 (hg19) VCF-style: chr2-166864082-A-C.
Other names: c.3969+2147T>G (NM_001353949.2, NM_001353950.2, NM_001353951.2 and 2 more transcripts); c.3918+2147T>G (NM_001353958.2, NM_001353957.2, NM_001165964.3); c.4002+2147T>G (NM_001202435.3, NM_001353948.2); c.3966+2147T>G (NM_001353955.2, NM_001353954.2); c.3915+2147T>G (NM_001353960.2); c.1560+2147T>G (NM_001353961.2).
Identifiers: ClinVar variation 3010983 (VCV003010983.3), dbSNP rs553600910, ClinGen allele CA59771669.